The following is an entry in ClinVar:

ClinVar aggregate classification (germline): Likely benign. Review status: criteria provided, multiple submitters, no conflicts (2 of 4 stars). 4 submissions from 4 submitters: Likely benign (4). Last evaluated 2025-02-16.

Conditions:
DPM1-related disorder. Also called: DPM1-related condition.

Allele frequency attached by ClinVar (database versions not stated): gnomAD 0.00055; gnomAD exomes 0.00062.
gnomAD v4.1: 230 of 388,404 alleles (0.059%); highest among the groups gnomAD compares: Non-Finnish European, 0.081%; 1 homozygote.

Submissions (4):

Laboratory of Genetics, Children's Clinical University Hospital Latvia
Classification: Likely benign. Last evaluated: 2025-02-16. Review status: criteria provided, single submitter. Criteria: ACMG Guidelines, 2015. Collection method: clinical testing. Allele origin: germline. Affected: yes.

PreventionGenetics, part of Exact Sciences
Classification: Likely benign for DPM1-related condition. Last evaluated: 2024-10-10. Review status: criteria provided, single submitter. Criteria: ACMG Guidelines, 2015. Collection method: clinical testing. Allele origin: germline.
Comment: This variant is classified as likely benign based on ACMG/AMP sequence variant interpretation guidelines (Richards et al. 2015 PMID: 25741868, with internal and published modifications).

Blueprint Genetics
Classification: Likely benign. Last evaluated: 2024-10-09. Review status: criteria provided, single submitter. Criteria: ACMG Guidelines, 2015. Collection method: clinical testing. Allele origin: germline.

CeGaT Center for Human Genetics Tuebingen
Classification: Likely benign. Last evaluated: 2023-02-01. Review status: criteria provided, single submitter. Criteria: CeGaT Center For Human Genetics Tuebingen Variant Classification Criteria Version 2. Collection method: clinical testing. Allele origin: germline. Affected: yes. Observed: 2 variant alleles.
Comment: DPM1: BP4, BP7

NM_003859.3(DPM1):c.495-249C>G

Genes: ADNP-AS1 (ADNP antisense RNA 1; plus strand), DPM1 (dolichyl-phosphate mannosyltransferase subunit 1, catalytic; minus strand). Cytogenetic location: 20q13.13.
Variant type: single nucleotide variant.
Coding change: c.495-249C>G on transcript NM_003859.3 (MANE Select); 249 bases into the intron before coding-DNA position 495, C replaced by G.
Molecular consequence: intron variant. On other transcripts: synonymous variant (2).
Genome position (GRCh38, 1-based): chr20:50,941,182, G>C on the plus strand (C>G on the coding strand, the complement: DPM1 is on the minus strand). VCF-style: chr20-50941182-G-C. GRCh37 (hg19) VCF-style: chr20-49557719-G-C.
Other names: c.522C>G, p.Gly174= (NM_001317034.1, NM_001317035.1); c.494+849C>G (NM_001317036.1).
Identifiers: ClinVar variation 2652406 (VCV002652406.27), dbSNP rs756012604, ClinGen allele CA9909082.